The following is an entry in ClinVar:

NM_152327.5(AK7):c.1681C>T (p.Arg561Trp)

Gene: AK7 (adenylate kinase 7; plus strand). Cytogenetic location: 14q32.2.
Variant type: single nucleotide variant.
Coding change: c.1681C>T on transcript NM_152327.5 (MANE Select); coding-DNA position 1681, C replaced by T.
Protein change: p.Arg561Trp; replaces arginine 561 with tryptophan.
Molecular consequence: missense variant.
Genome position (GRCh38, 1-based): chr14:96,478,590, C>T. VCF-style: chr14-96478590-C-T. GRCh37 (hg19) VCF-style: chr14-96944927-C-T.
Other names: c.1612C>T, p.Arg538Trp (NM_001350888.2, NM_001350890.2); c.1603C>T, p.Arg535Trp (NM_001350891.2); c.1483C>T, p.Arg495Trp (NM_001350892.2); short protein forms R495W, R535W, R561W, R538W.
Identifiers: ClinVar variation 2964374 (VCV002964374.3), dbSNP rs544471817, ClinGen allele CA7337921.
Genomic context (GRCh38, chr14:96,478,590, plus strand): 5'-AGCATCGTGGCGGGGACCCACTACAGCCAAGACCGATTCCTCCGGGCTCTGAGCAACTAC[C>T]GGGACATCAATATCGACGATGAGACTGTCTTCAACTATTTTGATGAACTTGAAATTCACC-3'
Protein context (NP_689540.2, residues 551-571): DRFLRALSNY[Arg561Trp]DINIDDETVF

ClinVar aggregate classification (germline): Uncertain significance (1 of 4 stars; one submission).

Allele frequency attached by ClinVar (database versions not stated): TOPMed 0.00002; ExAC 0.00003; gnomAD 0.00003; 1000 Genomes Project 0.00020; 1000 Genomes Project 30x 0.00016.
gnomAD v4.1: 41 of 1,614,152 alleles (0.0025%); highest among the groups gnomAD compares: South Asian, 0.011%; no homozygotes.

Submission:

Labcorp Genetics (formerly Invitae), Labcorp
Classification: Uncertain significance. Last evaluated: 2026-01-07. Review status: criteria provided, single submitter. Criteria: Invitae Variant Classification Sherloc (09022015). Collection method: clinical testing. Allele origin: germline.
Comment: This sequence change replaces arginine, which is basic and polar, with tryptophan, which is neutral and slightly polar, at codon 561 of the AK7 protein (p.Arg561Trp). This variant is present in population databases (rs544471817, gnomAD 0.01%). This variant has not been reported in the literature in individuals affected with AK7-related conditions. ClinVar contains an entry for this variant (Variation ID: 2964374). Invitae Evidence Modeling of protein sequence and biophysical properties (such as structural, functional, and spatial information, amino acid conservation, physicochemical variation, residue mobility, and thermodynamic stability) indicates that this missense variant is expected to disrupt AK7 protein function with a positive predictive value of 80%. In summary, the available evidence is currently insufficient to determine the role of this variant in disease. Therefore, it has been classified as a Variant of Uncertain Significance.